The following is an entry in ClinVar:

NM_001160372.4(TRAPPC9):c.3056A>C (p.Asp1019Ala)

Gene: TRAPPC9 (trafficking protein particle complex subunit 9; minus strand). Cytogenetic location: 8q24.3.
Variant type: single nucleotide variant.
Coding change: c.3056A>C on transcript NM_001160372.4 (MANE Select); coding-DNA position 3056, A replaced by C.
Protein change: p.Asp1019Ala; replaces aspartic acid 1019 with alanine.
Molecular consequence: missense variant. On other transcripts: non-coding transcript variant (1).
Genome position (GRCh38, 1-based): chr8:139,732,202, T>G on the plus strand (A>C on the coding strand, the complement: TRAPPC9 is on the minus strand). VCF-style: chr8-139732202-T-G. GRCh37 (hg19) VCF-style: chr8-140744445-T-G.
Other names: c.3029A>C, p.Asp1010Ala (NM_001321646.2); c.3077A>C, p.Asp1026Ala (NM_001374682.1); c.2945A>C, p.Asp982Ala (NM_001374683.1); c.2912A>C, p.Asp971Ala (NM_001374684.1); c.3056A>C, p.Asp1019Ala (NM_031466.8); short protein forms D1019A, D1117A, D1010A, D1026A, D971A, D982A.
Identifiers: ClinVar variation 427166 (VCV000427166.15), dbSNP rs755371528, ClinGen allele CA4892819.
Genomic context (GRCh38, chr8:139,732,202, plus strand): 5'-TCGCCCACCTGGCAGGCCGCCACAGCCTCGCGGTCACATGGCTGTCCGTCCACCAGCACA[T>G]CTGTAAGGGACACGAGACTGTCGGGGGCTGGGCTGGCCTGCACGGCCCAGCCGGCCTACC-3'
Protein context (NP_001153844.1, residues 1009-1029): EHLQLAPLQW[Asp1019Ala]VLVDGQPCDR

ClinVar aggregate classification (germline): Conflicting classifications of pathogenicity. Review status: criteria provided, conflicting classifications (1 of 4 stars). 5 submissions from 5 submitters: Likely pathogenic (1); Uncertain significance (4). Last evaluated 2026-10-01.

Conditions:
Intellectual developmental disorder, autosomal recessive 13. Also called: Intellectual disability, autosomal recessive 13. Identifiers: Orphanet 88616, MedGen C2750791, MONDO:0013173, OMIM 613192.
Inborn genetic diseases. Identifiers: MedGen C0950123, MeSH D030342.

Allele frequency attached by ClinVar (database versions not stated): ExAC 0.00002; TOPMed 0.00004; gnomAD 0.00004; gnomAD exomes 0.00003.
gnomAD v4.1: 36 of 1,586,408 alleles (0.0023%); highest among the groups gnomAD compares: Admixed American, 0.0034%; no homozygotes.

Submissions (5):

GeneDx
Classification: Likely pathogenic. Last evaluated: 2026-10-01. Review status: criteria provided, single submitter. Criteria: GeneDx Variant Classification Process June 2021. Collection method: clinical testing. Allele origin: germline.
Comment: Not observed at significant frequency in large population cohorts (gnomAD); In silico analysis supports that this missense variant has a deleterious effect on protein structure/function; Has not been previously reported as pathogenic or benign in association with TRAPPC9-related disorders to our knowledge; This variant is associated with the following publications: (PMID: 31589614, Yalcintepe2023[article])

Ambry Genetics
Classification: Uncertain significance for Inborn genetic diseases. Last evaluated: 2025-02-27. Review status: criteria provided, single submitter. Criteria: Ambry Variant Classification Scheme 2023. Collection method: clinical testing. Allele origin: germline.

Labcorp Genetics (formerly Invitae), Labcorp
Classification: Uncertain significance. Last evaluated: 2022-08-10. Review status: criteria provided, single submitter. Criteria: Invitae Variant Classification Sherloc (09022015). Collection method: clinical testing. Allele origin: germline.
Comment: This sequence change replaces aspartic acid with alanine at codon 1117 of the TRAPPC9 protein (p.Asp1117Ala). The aspartic acid residue is weakly conserved and there is a moderate physicochemical difference between aspartic acid and alanine. This variant is present in population databases (rs755371528, gnomAD 0.006%). This variant has not been reported in the literature in individuals affected with TRAPPC9-related conditions. ClinVar contains an entry for this variant (Variation ID: 427166). Algorithms developed to predict the effect of missense changes on protein structure and function are either unavailable or do not agree on the potential impact of this missense change (SIFT: "Not Available"; PolyPhen-2: "Probably Damaging"; Align-GVGD: "Not Available"). In summary, the available evidence is currently insufficient to determine the role of this variant in disease. Therefore, it has been classified as a Variant of Uncertain Significance.

Victorian Clinical Genetics Services, Murdoch Childrens Research Institute
Classification: Uncertain significance for Intellectual developmental disorder, autosomal recessive 13. Last evaluated: 2020-05-26. Review status: criteria provided, single submitter. Criteria: ACMG Guidelines, 2015. Collection method: clinical testing. Allele origin: germline. Inheritance: Autosomal recessive inheritance. Affected: yes.
Comment: Based on the classification scheme VCGS_Germline_v1.1.1, this variant is classified as VUS – 3A. Following criteria are met: 0102 - Loss-of-function is a known mechanism of disease for this gene. (N) 0106 - This gene is known to be associated with autosomal recessive disease. (N) 0200 - Variant is predicted to result in a missense amino acid change from aspartic acid to alanine (exon 22). If is also present at the exon-intron boundary, and potentially affects splicing. (N) 0251 - Variant is heterozygous. (N) 0304 - Variant is present in gnomAD <0.01 for a recessive condition (7 heterozygotes, 0 homozygotes). (P) 0501 - Missense variant consistently predicted to be damaging by multiple in silico tools or highly conserved with a major amino acid change. (P) 0508 – Abnormal splicing is not predicted and nucleotide is highly conserved. (N) 0600 - Variant is located in an annotated domain or motif, (TRAPPC9-Trs120 domain; PDB). (N) 0705 - No comparable variants have previous evidence for pathogenicity. (N) 0803 - Low previous evidence of pathogenicity in an unrelated individual (ClinVar). (P) 0905 - No segregation evidence has been identified for this variant. (N) 1007 - No published functional evidence has been identified for this variant. (N) 1208 - Inheritance information for this variant is not currently available. (N) Legend: (P) - Pathogenic, (N) - Neutral, (B) - Benign

Genomic Research Center, Shahid Beheshti University of Medical Sciences
Classification: Uncertain significance. Last evaluated: 2020-05-03. Review status: criteria provided, single submitter. Criteria: ACMG Guidelines, 2015. Collection method: clinical testing. Allele origin: unknown. Affected: no.